The following is an entry in ClinVar:

NM_019066.5(MAGEL2):c.3151C>A (p.Leu1051Ile)

Gene: MAGEL2 (MAGE family member L2; minus strand). Cytogenetic location: 15q11.2.
Variant type: single nucleotide variant.
Coding change: c.3151C>A on transcript NM_019066.5 (MANE Select); coding-DNA position 3151, C replaced by A.
Protein change: p.Leu1051Ile; replaces leucine 1051 with isoleucine.
Molecular consequence: missense variant.
Genome position (GRCh38, 1-based): chr15:23,644,592, G>T on the plus strand (C>A on the coding strand, the complement: MAGEL2 is on the minus strand). VCF-style: chr15-23644592-G-T. GRCh37 (hg19) VCF-style: chr15-23889739-G-T.
Other names: short protein forms L1051I.
Identifiers: ClinVar variation 158812 (VCV000158812.21), dbSNP rs2233070, ClinGen allele CA172483.

ClinVar aggregate classification (germline): Benign/Likely benign. Review status: criteria provided, multiple submitters, no conflicts (2 of 4 stars). 8 submissions from 8 submitters: Benign (4); Likely benign (2). 2 of the submissions do not count toward it. Last evaluated 2026-02-03.

Allele frequency attached by ClinVar (database versions not stated): ESP Exome Variant Server 0.03170; TOPMed 0.03275; gnomAD 0.03565 and 0.03573; 1000 Genomes Project 0.04353; 1000 Genomes Project 30x 0.04450.
gnomAD v4.1: 38,563 of 1,613,880 alleles (2.4%); highest among the groups gnomAD compares: African/African-American, 6.3%; 761 homozygotes.

Submissions (8):

Labcorp Genetics (formerly Invitae), Labcorp
Classification: Benign. Last evaluated: 2026-02-03. Review status: criteria provided, single submitter. Criteria: Invitae Variant Classification Sherloc (09022015). Collection method: clinical testing. Allele origin: germline.

Blueprint Genetics
Classification: Benign. Last evaluated: 2024-11-27. Review status: criteria provided, single submitter. Criteria: ACMG Guidelines, 2015. Collection method: clinical testing. Allele origin: germline.

GeneDx
Classification: Benign. Last evaluated: 2018-07-09. Review status: criteria provided, single submitter. Criteria: GeneDx Variant Classification Process June 2021. Collection method: clinical testing. Allele origin: germline. Affected: yes.

Eurofins Ntd Llc (ga)
Classification: Benign. Last evaluated: 2015-08-18. Review status: criteria provided, single submitter. Criteria: EGL Classification Definitions 2015. Collection method: clinical testing. Allele origin: germline. Observed: 1 variant allele, 1 heterozygote.

Genetic Services Laboratory, University of Chicago
Classification: Likely benign. Last evaluated: 2014-01-08. Review status: criteria provided, single submitter. Criteria: ACMG Guidelines, 2007. Collection method: clinical testing. Allele origin: germline. Inheritance: Autosomal dominant inheritance.
Comment: Likely benign based on allele frequency in 1000 Genomes Project or ESP global frequency and its presence in a patient with a rare or unrelated disease phenotype. NOT Sanger confirmed

Breakthrough Genomics
Classification: Likely benign. Review status: criteria provided, single submitter. Criteria: ACMG Guidelines, 2015. Collection method: not provided. Allele origin: germline. Inheritance: Autosomal dominant inheritance. Affected: yes.

Genome Diagnostics Laboratory, University Medical Center Utrecht
Classification: Benign. Review status: no assertion criteria provided. Collection method: clinical testing. Allele origin: germline. Affected: yes. Study: VKGL Data-share Consensus. Not counted in ClinVar's aggregate classification.

Laboratory of Diagnostic Genome Analysis, Leiden University Medical Center (LUMC)
Classification: Likely benign. Review status: no assertion criteria provided. Collection method: clinical testing. Allele origin: germline. Affected: yes. Study: VKGL Data-share Consensus. Not counted in ClinVar's aggregate classification.